The following is an entry in ClinVar:

ClinVar aggregate classification (germline): Uncertain significance. Review status: criteria provided, multiple submitters, no conflicts (2 of 4 stars). 2 submissions from 2 submitters: Uncertain significance (2). Last evaluated 2021-06-27.

Conditions:
Neutral lipid storage myopathy (NLSDM). Also called: NEUTRAL LIPID STORAGE DISEASE WITHOUT ICHTHYOSIS. Identifiers: Orphanet 98908, MedGen C1853136, MONDO:0012545, OMIM 610717.

Allele frequency attached by ClinVar (database versions not stated): gnomAD exomes below 0.00001.

Submissions (2):

Labcorp Genetics (formerly Invitae), Labcorp
Classification: Uncertain significance for Neutral lipid storage myopathy. Last evaluated: 2021-06-27. Review status: criteria provided, single submitter. Criteria: Invitae Variant Classification Sherloc (09022015). Collection method: clinical testing. Allele origin: germline.
Comment: This sequence change replaces glutamic acid with glutamine at codon 368 of the PNPLA2 protein (p.Glu368Gln). The glutamic acid residue is moderately conserved and there is a small physicochemical difference between glutamic acid and glutamine. This variant is not present in population databases (ExAC no frequency). This variant has not been reported in the literature in individuals with PNPLA2-related disease. Algorithms developed to predict the effect of missense changes on protein structure and function (SIFT, PolyPhen-2, Align-GVGD) all suggest that this variant is likely to be tolerated, but these predictions have not been confirmed by published functional studies and their clinical significance is uncertain. In summary, the available evidence is currently insufficient to determine the role of this variant in disease. Therefore, it has been classified as a Variant of Uncertain Significance.

Fulgent Genetics
Classification: Uncertain significance for Neutral lipid storage myopathy. Last evaluated: 2018-10-31. Review status: criteria provided, single submitter. Criteria: ACMG Guidelines, 2015. Collection method: clinical testing. Allele origin: unknown.

NM_020376.4(PNPLA2):c.1102G>C (p.Glu368Gln)

Gene: PNPLA2 (patatin like domain 2, triacylglycerol lipase; plus strand). Cytogenetic location: 11p15.5.
Variant type: single nucleotide variant.
Coding change: c.1102G>C on transcript NM_020376.4 (MANE Select); coding-DNA position 1102, G replaced by C.
Protein change: p.Glu368Gln; replaces glutamic acid 368 with glutamine.
Molecular consequence: missense variant.
Genome position (GRCh38, 1-based): chr11:824,363, G>C. VCF-style: chr11-824363-G-C. GRCh37 (hg19) VCF-style: chr11-824363-G-C.
Other names: short protein forms E368Q.
Identifiers: ClinVar variation 565795 (VCV000565795.9), dbSNP rs769876456, ClinGen allele CA378983943.
Genomic context (GRCh38, chr11:824,363, plus strand): 5'-CCTGTCCCCAGCTTGCTGGAGTGGCTGCCCGACGTTCCCGAGGACATCCGGTGGATGAAG[G>C]AGCAGACGGGCAGCATCTGCCAGTACCTGGTGATGCGCGCCAAGAGGAAGCTGGGCAGGC-3'
Protein context (NP_065109.1, residues 358-378): DVPEDIRWMK[Glu368Gln]QTGSICQYLV